The following is an entry in ClinVar:

NM_000132.4(F8):c.2243A>G (p.Tyr748Cys)

Gene: F8 (coagulation factor VIII; minus strand). Cytogenetic location: Xq28.
Variant type: single nucleotide variant.
Coding change: c.2243A>G on transcript NM_000132.4 (MANE Select); coding-DNA position 2243, A replaced by G.
Protein change: p.Tyr748Cys; replaces tyrosine 748 with cysteine.
Molecular consequence: missense variant.
Genome position (GRCh38, 1-based): chrX:154,931,547, T>C on the plus strand (A>G on the coding strand, the complement: F8 is on the minus strand). VCF-style: chrX-154931547-T-C. GRCh37 (hg19) VCF-style: chrX-154159822-T-C.
Other names: short protein forms Y748C.
Identifiers: ClinVar variation 811427 (VCV000811427.8), dbSNP rs1160871723, ClinGen allele CA414902791.
Genomic context (GRCh38, chrX:154,931,547, plus strand): 5'-GGGTGTCTTGAATTCTGGGAGAAGCTTCTTGGTTCAATGGCATTGTTTTTACTCAGCAAG[T>C]ATGCTGAAATATCTTCATAACTGTCCTCGTAATAATCACCAGTGTTCTTGTCACAACTAG-3'
Protein context (NP_000123.1, residues 738-758): YEDSYEDISA[Tyr748Cys]LLSKNNAIEP

ClinVar aggregate classification (germline): Uncertain significance (1 of 4 stars; one submission).

Conditions:
Hereditary factor VIII deficiency disease (HEMA). Also called: AUTOSOMAL HEMOPHILIA A; Hemophilia A; HEMOPHILIA, CLASSIC; Hemophilia A, congenital; HEM A; Factor 8 deficiency, congenital. Identifiers: Orphanet 98878, MedGen C0019069, MONDO:0010602, OMIM 306700.

Allele frequency attached by ClinVar (database versions not stated): TOPMed below 0.00001; gnomAD 0.00001.
gnomAD v4.1: 1 of 1,206,797 alleles (0.000083%); highest among the groups gnomAD compares: Non-Finnish European, 0.00011%; no homozygotes.

Submission:

ARUP Laboratories, Molecular Genetics and Genomics, ARUP Laboratories
Classification: Uncertain significance for Hereditary factor VIII deficiency disease. Last evaluated: 2019-05-22. Review status: criteria provided, single submitter. Criteria: ARUP Molecular Germline Variant Investigation Process. Collection method: clinical testing. Allele origin: germline.
Comment: The F8 c.2243A>G; p.Tyr748Cys variant (rs1160871723) is reported in the medical literature in one individual with mild hemophilia A (Rydz 2013), but insufficient information is provided to assess the report fully. The variant is absent from general population databases (Exome Variant Server, Genome Aggregation Database), indicating it is not a common polymorphism. The amino acid at this position is weakly conserved, and computational analyses (SIFT, PolyPhen-2) predict that this variant is tolerated. Due to limited information, the clinical significance of the variant is uncertain at this time. References: Rydz N et al. The Canadian National Program for hemophilia mutation testing" database: a ten-year review. Am J Hematol. 2013 Dec;88(12):1030-4. "